The following is an entry in ClinVar:

ClinVar aggregate classification (germline): Uncertain significance (1 of 4 stars; one submission).

Conditions:
Amyotrophic lateral sclerosis type 1 (ALS1). Also called: AMYOTROPHIC LATERAL SCLEROSIS 1, FAMILIAL. Identifiers: Orphanet 803, MedGen C1862939, MONDO:0007103, OMIM 105400.
Perry syndrome. Also called: PARKINSONISM WITH ALVEOLAR HYPOVENTILATION AND MENTAL DEPRESSION. Identifiers: Orphanet 178509, MedGen C1868594, MONDO:0008201, OMIM 168605.
Neuronopathy, distal hereditary motor, type 7B. Also called: NEUROPATHY, DISTAL HEREDITARY MOTOR, WITH VOCAL CORD PARALYSIS, HARDING TYPE VIIB; Distal Hereditary Motor Neuronopathy Type 7B (dHMN7B); LOWER MOTOR NEURON DISEASE, DYNACTIN TYPE; HMN VIIB; NEURONOPATHY, DISTAL HEREDITARY MOTOR, AUTOSOMAL DOMINANT 14; NEURONOPATHY, DISTAL HEREDITARY MOTOR, HARDING TYPE VIIB. Identifiers: Orphanet 139589, MedGen C1843315, MONDO:0011879, OMIM 607641.

gnomAD v4.1: 3 of 1,613,888 alleles (0.00019%); highest among the groups gnomAD compares: Middle Eastern, 0.017%; no homozygotes.

Submission:

Labcorp Genetics (formerly Invitae), Labcorp
Classification: Uncertain significance for Amyotrophic lateral sclerosis type 1; Neuronopathy, distal hereditary motor, type 7B; Perry syndrome. Last evaluated: 2025-09-22. Review status: criteria provided, single submitter. Criteria: Invitae Variant Classification Sherloc (09022015). Collection method: clinical testing. Allele origin: germline.
Comment: This sequence change replaces proline, which is neutral and non-polar, with threonine, which is neutral and polar, at codon 1144 of the DCTN1 protein (p.Pro1144Thr). This variant is present in population databases (no rsID available, gnomAD 0.0009%). This missense change has been observed in individual(s) with clinical features of DCTN1-related conditions (PMID: 23143281). ClinVar contains an entry for this variant (Variation ID: 1374581). Invitae Evidence Modeling of protein sequence and biophysical properties (such as structural, functional, and spatial information, amino acid conservation, physicochemical variation, residue mobility, and thermodynamic stability) indicates that this missense variant is not expected to disrupt DCTN1 protein function with a negative predictive value of 95%. Experimental studies have shown that this missense change does not substantially affect DCTN1 function (PMID: 23143281). In summary, the available evidence is currently insufficient to determine the role of this variant in disease. Therefore, it has been classified as a Variant of Uncertain Significance.

Literature cited by the submitters: PubMed 23143281.

NM_004082.5(DCTN1):c.3430C>A (p.Pro1144Thr)

Gene: DCTN1 (dynactin subunit 1; minus strand). Cytogenetic location: 2p13.1.
Variant type: single nucleotide variant.
Coding change: c.3430C>A on transcript NM_004082.5 (MANE Select); coding-DNA position 3430, C replaced by A.
Protein change: p.Pro1144Thr; replaces proline 1144 with threonine.
Molecular consequence: missense variant. On other transcripts: non-coding transcript variant (1).
Genome position (GRCh38, 1-based): chr2:74,363,093, G>T on the plus strand (C>A on the coding strand, the complement: DCTN1 is on the minus strand). VCF-style: chr2-74363093-G-T. GRCh37 (hg19) VCF-style: chr2-74590220-G-T.
Other names: c.3355C>A, p.Pro1119Thr (NM_001135040.3); c.3013C>A, p.Pro1005Thr (NM_001135041.3); c.3304C>A, p.Pro1102Thr (NM_001190836.2); c.3409C>A, p.Pro1137Thr (NM_001190837.2); c.3379C>A, p.Pro1127Thr (NM_001378991.1); c.3361C>A, p.Pro1121Thr (NM_001378992.1); c.3028C>A, p.Pro1010Thr (NM_023019.4); short protein forms P1005T, P1137T, P1010T, P1119T, P1127T, P1144T, P1102T, P1121T.
Identifiers: ClinVar variation 1374581 (VCV001374581.6), dbSNP rs1399568739, ClinGen allele CA347337252.
Genomic context (GRCh38, chr2:74,363,093, plus strand): 5'-TGCTCAATTGATTCAATGTCTCCAGCAGCTGGCTGGTCTTACGATACAGCGCTCCAGCTG[G>T]TAACTCACTGCCAGGGCCCTCATGGGATAGCTTTGCAACATGCAGAGGGGGCAGGGATGC-3'
Protein context (NP_004073.2, residues 1134-1154): LSHEGPGSEL[Pro1144Thr]AGALYRKTSQ